The following is an entry in ClinVar:

NM_015355.4(SUZ12):c.1132dup (p.Ala378fs)

Gene: SUZ12 (SUZ12 polycomb repressive complex 2 subunit; plus strand). Cytogenetic location: 17q11.2.
Variant type: Duplication.
Coding change: c.1132dup on transcript NM_015355.4 (MANE Select); coding-DNA position 1132, one base duplicated (G; older notation c.1132dupG).
Protein change: p.Ala378fs; shifts the reading frame from alanine 378.
Molecular consequence: frameshift variant.
Genome position (GRCh38, 1-based): chr17:31,988,428, G duplicated. VCF-style (leftmost placement, unchanged base first): chr17-31988427-T-TG. GRCh37 (hg19) VCF-style: chr17-30315446-T-TG.
Other names: c.1063dup, p.Ala355fs (NM_001321207.2); short protein forms A355fs, A378fs.
Identifiers: ClinVar variation 1705694 (VCV001705694.1), dbSNP rs2508662320, ClinGen allele CA2580093083.

ClinVar aggregate classification (germline): Likely pathogenic (1 of 4 stars; one submission).

Conditions:
Imagawa-Matsumoto syndrome. Identifiers: Orphanet 659463, MedGen C5394073, MONDO:0032916, OMIM 618786.

Submission:

3billion
Classification: Likely pathogenic for Imagawa-Matsumoto syndrome. Last evaluated: 2022-09-01. Review status: criteria provided, single submitter. Criteria: ACMG Guidelines, 2015. Collection method: clinical testing. Allele origin: germline. Affected: yes. Observed: 1 heterozygote.
Comment: The variant is not observed in the gnomAD v2.1.1 dataset. Frameshift variant is predicted to result in a loss or disruption of normal protein function through nonsense-mediated decay (NMD) or protein truncation. Multiple pathogenic variants are reported downstream of the variant. Therefore, this variant is classified as Likely pathogenic according to the recommendation of ACMG/AMP guideline.